The following is an entry in ClinVar:

ClinVar aggregate classification (germline): Uncertain significance. Review status: criteria provided, multiple submitters, no conflicts (2 of 4 stars). 2 submissions from 2 submitters: Uncertain significance (2). Last evaluated 2025-03-06.

Conditions:
Inborn genetic diseases. Identifiers: MedGen C0950123, MeSH D030342.

Submissions (2):

Ambry Genetics
Classification: Uncertain significance for Inborn genetic diseases. Last evaluated: 2025-03-06. Review status: criteria provided, single submitter. Criteria: Ambry Variant Classification Scheme 2023. Collection method: clinical testing. Allele origin: germline.

GeneDx
Classification: Uncertain significance. Last evaluated: 2019-06-11. Review status: criteria provided, single submitter. Criteria: GeneDx Variant Classification Process June 2021. Collection method: clinical testing. Allele origin: germline. Affected: yes.
Comment: Not observed in large population cohorts (Lek et al., 2016); In silico analysis, which includes protein predictors and evolutionary conservation, supports a deleterious effect; Has not been previously published as pathogenic or benign to our knowledge

NM_001291415.2(KDM6A):c.648A>T (p.Glu216Asp)

Gene: KDM6A (lysine demethylase 6A; plus strand). Cytogenetic location: Xp11.3.
Variant type: single nucleotide variant.
Coding change: c.648A>T on transcript NM_001291415.2 (MANE Select); coding-DNA position 648, A replaced by T.
Protein change: p.Glu216Asp; replaces glutamic acid 216 with aspartic acid.
Molecular consequence: missense variant. On other transcripts: 5 prime UTR variant (1), non-coding transcript variant (1).
Genome position (GRCh38, 1-based): chrX:45,037,683, A>T. VCF-style: chrX-45037683-A-T. GRCh37 (hg19) VCF-style: chrX-44896928-A-T.
Other names: c.648A>T, p.Glu216Asp (NM_001291416.2, NM_001291417.2, NM_001291418.2 and 1 more transcripts); c.-106A>T (NM_001291421.2); short protein forms E216D.
Identifiers: ClinVar variation 1304038 (VCV001304038.3), dbSNP rs1345717578, ClinGen allele CA412774026.